The following is an entry in ClinVar:

NM_003718.5(CDK13):c.3680C>T (p.Pro1227Leu)

Gene: CDK13 (cyclin dependent kinase 13; plus strand). Cytogenetic location: 7p14.1.
Variant type: single nucleotide variant.
Coding change: c.3680C>T on transcript NM_003718.5 (MANE Select); coding-DNA position 3680, C replaced by T.
Protein change: p.Pro1227Leu; replaces proline 1227 with leucine.
Molecular consequence: missense variant.
Genome position (GRCh38, 1-based): chr7:40,093,229, C>T. VCF-style: chr7-40093229-C-T. GRCh37 (hg19) VCF-style: chr7-40132828-C-T.
Other names: c.3500C>T, p.Pro1167Leu (NM_031267.4); short protein forms P1167L, P1227L.
Identifiers: ClinVar variation 2045784 (VCV002045784.8), dbSNP rs146655992, ClinGen allele CA4228978.

ClinVar aggregate classification (germline): Likely benign. Review status: criteria provided, multiple submitters, no conflicts (2 of 4 stars). 5 submissions from 5 submitters: Likely benign (5). Last evaluated 2025-10-31.

Conditions:
CDK13-related disorder. Also called: CDK13-related condition. Identifiers: MedGen C5816700.
Inborn genetic diseases. Identifiers: MedGen C0950123, MeSH D030342.

Allele frequency attached by ClinVar (database versions not stated): ESP Exome Variant Server 0.00008; gnomAD 0.00009; gnomAD exomes 0.00009; ExAC 0.00011; TOPMed 0.00016.
gnomAD v4.1: 146 of 1,610,300 alleles (0.0091%); highest among the groups gnomAD compares: South Asian, 0.023%; 1 homozygote.

Submissions (5):

PreventionGenetics, part of Exact Sciences
Classification: Likely benign for CDK13-related condition. Last evaluated: 2025-10-31. Review status: criteria provided, single submitter. Criteria: ACMG Guidelines, 2015. Collection method: clinical testing. Allele origin: germline.
Comment: This variant is classified as likely benign based on ACMG/AMP sequence variant interpretation guidelines (Richards et al. 2015 PMID: 25741868, with internal and published modifications).

Labcorp Genetics (formerly Invitae), Labcorp
Classification: Likely benign. Last evaluated: 2025-03-15. Review status: criteria provided, single submitter. Criteria: Invitae Variant Classification Sherloc (09022015). Collection method: clinical testing. Allele origin: germline.

Laboratory of Genetics, Children's Clinical University Hospital Latvia
Classification: Likely benign. Last evaluated: 2025-02-16. Review status: criteria provided, single submitter. Criteria: ACMG Guidelines, 2015. Collection method: clinical testing. Allele origin: germline. Affected: yes.

Blueprint Genetics
Classification: Likely benign. Last evaluated: 2024-06-25. Review status: criteria provided, single submitter. Criteria: ACMG Guidelines, 2015. Collection method: clinical testing. Allele origin: germline.

Ambry Genetics
Classification: Likely benign for Inborn genetic diseases. Last evaluated: 2021-08-12. Review status: criteria provided, single submitter. Criteria: Ambry Variant Classification Scheme 2023. Collection method: clinical testing. Allele origin: germline.